The following is an entry in ClinVar:

ClinVar aggregate classification (germline): Uncertain significance (1 of 4 stars; one submission).

Submission:

Greenwood Genetic Center Diagnostic Laboratories, Greenwood Genetic Center
Classification: Uncertain significance. Last evaluated: 2023-11-02. Review status: criteria provided, single submitter. Criteria: ACMG Guidelines, 2015. Collection method: clinical testing. Allele origin: germline. Affected: yes.
Comment: PM2

NM_017757.3(ZNF407):c.857_861del (p.Lys286fs)

Gene: ZNF407 (zinc finger protein 407; plus strand). Cytogenetic location: 18q22.3.
Variant type: Microsatellite.
Coding change: c.857_861del on transcript NM_017757.3 (MANE Select); coding-DNA positions 857 to 861, 5 bases deleted (AACAA; older notation c.857_861delAACAA).
Protein change: p.Lys286fs; shifts the reading frame from lysine 286.
Molecular consequence: frameshift variant.
Genome position (GRCh38, 1-based): chr18:74,631,876-74,631,880, AACAA deleted; deleting any 5 consecutive bases within chr18:74,631,871-74,631,880 gives the same sequence; the c. name uses the placement nearest the transcript's 3' end. VCF-style (leftmost placement, unchanged base first): chr18-74631870-TAACAA-T. GRCh37 (hg19) VCF-style: chr18-72343826-TAACAA-T.
Other names: c.857_861del, p.Lys286fs (NM_001146189.1, NM_001146190.1, NM_001384475.1); short protein forms K286fs.
Identifiers: ClinVar variation 2692435 (VCV002692435.1), dbSNP rs2511893257, ClinGen allele CA2697555577.
Genomic context (GRCh38, chr18:74,631,870, plus strand): 5'-TTGGCAAAACACATCTCCGTCGTCAGAATCTGGCTGCTCGTGGAGGATTTGTACAGATCT[TAACAA>T]AACAACCTTTTCCTAAAAAATCACGTACAATGGCAACAAAAAATGTTCACTCAAAACCAA-3'